The following is an entry in ClinVar:

ClinVar aggregate classification (germline): Likely pathogenic (1 of 4 stars; one submission).

Conditions:
Autosomal recessive limb-girdle muscular dystrophy type 2J (LGMDR10). Also called: Limb-girdle muscular dystrophy, type 2J; MUSCULAR DYSTROPHY, LIMB-GIRDLE, AUTOSOMAL RECESSIVE 10. Identifiers: Orphanet 140922, MedGen C1837342, MONDO:0012127, OMIM 608807.
Dilated cardiomyopathy 1G (CMD1G). Identifiers: Orphanet 154, MedGen C1858763, MONDO:0011400, OMIM 604145.

Submission:

Labcorp Genetics (formerly Invitae), Labcorp
Classification: Likely pathogenic for Dilated cardiomyopathy 1G; Autosomal recessive limb-girdle muscular dystrophy type 2J. Last evaluated: 2023-10-16. Review status: criteria provided, single submitter. Criteria: Invitae Variant Classification Sherloc (09022015). Collection method: clinical testing. Allele origin: germline.
Comment: This sequence change affects an acceptor splice site in intron 330 of the TTN gene. It is expected to disrupt RNA splicing and likely results in a truncated or disrupted TTN protein. This variant is not present in population databases (gnomAD no frequency). This variant has not been reported in the literature in individuals affected with TTN-related conditions. Algorithms developed to predict the effect of sequence changes on RNA splicing suggest that this variant may disrupt the consensus splice site. This variant is located in the A band of TTN (PMID: 25589632). Truncating variants in this region are significantly overrepresented in patients affected with dilated cardiomyopathy (PMID: 25589632). Truncating variants in this region have also been reported in individuals affected with autosomal recessive centronuclear myopathy (PMID: 23975875). In summary, the currently available evidence indicates that the variant is pathogenic, but additional data are needed to prove that conclusively. Therefore, this variant has been classified as Likely Pathogenic.

Literature cited by the submitters: PubMed 25589632; PubMed 23975875.

NM_001267550.2(TTN):c.88307-1G>A

Genes: TTN-AS1 (TTN antisense RNA 1; plus strand), TTN (titin; minus strand). Cytogenetic location: 2q31.2.
Variant type: single nucleotide variant.
Coding change: c.88307-1G>A on transcript NM_001267550.2 (MANE Select); the canonical splice acceptor site of the intron before coding-DNA position 88307, G replaced by A.
Molecular consequence: splice acceptor variant.
Genome position (GRCh38, 1-based): chr2:178,555,153, C>T on the plus strand (G>A on the coding strand, the complement: TTN is on the minus strand). VCF-style: chr2-178555153-C-T. GRCh37 (hg19) VCF-style: chr2-179419880-C-T.
Other names: c.61112-1G>A (NM_003319.4); c.61688-1G>A (NM_133437.4); c.61487-1G>A (NM_133432.3); c.80603-1G>A (NM_133378.4); c.83384-1G>A (NM_001256850.1).
Identifiers: ClinVar variation 2952960 (VCV002952960.3), dbSNP rs2469412453, ClinGen allele CA349528508.